The following is an entry in ClinVar:

NM_000088.4(COL1A1):c.2236G>A (p.Gly746Ser)

Gene: COL1A1 (collagen type I alpha 1 chain; minus strand). Cytogenetic location: 17q21.33.
Variant type: single nucleotide variant.
Coding change: c.2236G>A on transcript NM_000088.4 (MANE Select); coding-DNA position 2236, G replaced by A.
Protein change: p.Gly746Ser; replaces glycine 746 with serine.
Molecular consequence: missense variant.
Genome position (GRCh38, 1-based): chr17:50,190,924, C>T on the plus strand (G>A on the coding strand, the complement: COL1A1 is on the minus strand). VCF-style: chr17-50190924-C-T. GRCh37 (hg19) VCF-style: chr17-48268285-C-T.
Other names: short protein forms G746S.
Identifiers: ClinVar variation 4728055 (VCV004728055.1).

ClinVar aggregate classification (germline): Likely pathogenic (1 of 4 stars; one submission).

Conditions:
Osteogenesis imperfecta type I (OI1). Also called: Lobstein disease; Classic Non-deforming Osteogenesis Imperfecta with Blue Sclerae; OI, TYPE I; OSTEOGENESIS IMPERFECTA TARDA; OSTEOGENESIS IMPERFECTA WITH BLUE SCLERAE; Osteogenesis imperfecta type 1. Identifiers: Orphanet 216796, Orphanet 666, MedGen C0023931, MONDO:0008146, OMIM 166200. Disease mechanism: loss of function.

Submission:

Labcorp Genetics (formerly Invitae), Labcorp
Classification: Likely pathogenic for Osteogenesis imperfecta type I. Last evaluated: 2025-09-28. Review status: criteria provided, single submitter. Criteria: Invitae Variant Classification Sherloc (09022015). Collection method: clinical testing. Allele origin: germline.
Comment: This sequence change replaces glycine, which is neutral and non-polar, with serine, which is neutral and polar, at codon 746 of the COL1A1 protein (p.Gly746Ser). This variant is not present in population databases (gnomAD no frequency). This variant has not been reported in the literature in individuals affected with COL1A1-related conditions. An algorithm developed to predict the effect of missense changes on protein structure and function (PolyPhen-2) suggests that this variant is likely to be disruptive. This variant disrupts the triple helix domain of COL1A1. Glycine residues within the Gly-Xaa-Yaa repeats of the triple helix domain are required for the structure and stability of fibrillar collagens (PMID: 7695699, 8218237, 19344236). In COL1A1, variants affecting these glycine residues are significantly enriched in individuals with disease (PMID: 9016532, 17078022) compared to the general population (ExAC). In summary, the currently available evidence indicates that the variant is pathogenic, but additional data are needed to prove that conclusively. Therefore, this variant has been classified as Likely Pathogenic.

Literature cited by the submitters: PubMed 7695699; PubMed 8218237; PubMed 19344236; PubMed 9016532; PubMed 17078022.